The following is an entry in ClinVar:

ClinVar aggregate classification (germline): Uncertain significance (1 of 4 stars; one submission).

Conditions:
Hereditary cancer-predisposing syndrome. Also called: Neoplastic Syndromes, Hereditary; Tumor predisposition; Hereditary Cancer Syndrome; Hereditary neoplastic syndrome. Identifiers: Orphanet 140162, MedGen C0027672, MeSH D009386, MONDO:0015356.

Submission:

Ambry Genetics
Classification: Uncertain significance for Hereditary cancer-predisposing syndrome. Last evaluated: 2022-06-13. Review status: criteria provided, single submitter. Criteria: Ambry Variant Classification Scheme 2023. Collection method: clinical testing. Allele origin: germline.
Comment: The p.T295R variant (also known as c.884C>G), located in coding exon 7 of the SUFU gene, results from a C to G substitution at nucleotide position 884. The threonine at codon 295 is replaced by arginine, an amino acid with similar properties. This amino acid position is conserved. In addition, this alteration is predicted to be tolerated by in silico analysis. Since supporting evidence is limited at this time, the clinical significance of this alteration remains unclear.

NM_016169.4(SUFU):c.884C>G (p.Thr295Arg)

Gene: SUFU (SUFU negative regulator of hedgehog signaling; plus strand). Cytogenetic location: 10q24.32.
Variant type: single nucleotide variant.
Coding change: c.884C>G on transcript NM_016169.4 (MANE Select); coding-DNA position 884, C replaced by G.
Protein change: p.Thr295Arg; replaces threonine 295 with arginine.
Molecular consequence: missense variant.
Genome position (GRCh38, 1-based): chr10:102,597,267, C>G. VCF-style: chr10-102597267-C-G. GRCh37 (hg19) VCF-style: chr10-104357024-C-G.
Other names: c.884C>G, p.Thr295Arg (NM_001178133.2); short protein forms T295R.
Identifiers: ClinVar variation 1764869 (VCV001764869.2), dbSNP rs2545095099, ClinGen allele CA377910807.